The following is an entry in ClinVar:

ClinVar aggregate classification (germline): Conflicting classifications of pathogenicity. Review status: criteria provided, conflicting classifications (1 of 4 stars). 3 submissions from 3 submitters: Uncertain significance (1); Benign (1); Likely benign (1). Last evaluated 2026-02-02.

Conditions:
Cardiovascular phenotype. Identifiers: MedGen CN230736.

Allele frequency attached by ClinVar (database versions not stated): gnomAD exomes 0.00003 and 0.00024; gnomAD 0.00006 and 0.00008; TOPMed 0.00008; ExAC 0.00015; 1000 Genomes Project 30x 0.00031.
gnomAD v4.1: 51 of 1,549,964 alleles (0.0033%); highest among the groups gnomAD compares: East Asian, 0.12%; no homozygotes.

Submissions (3):

Labcorp Genetics (formerly Invitae), Labcorp
Classification: Likely benign. Last evaluated: 2026-02-02. Review status: criteria provided, single submitter. Criteria: Invitae Variant Classification Sherloc (09022015). Collection method: clinical testing. Allele origin: germline.

GeneDx
Classification: Uncertain significance. Last evaluated: 2025-01-10. Review status: criteria provided, single submitter. Criteria: GeneDx Variant Classification Process June 2021. Collection method: clinical testing. Allele origin: germline. Affected: yes.
Comment: In silico analysis indicates that this missense variant does not alter protein structure/function; Has not been previously published as pathogenic or benign to our knowledge

Ambry Genetics
Classification: Benign for Cardiovascular phenotype. Last evaluated: 2021-05-20. Review status: criteria provided, single submitter. Criteria: Ambry Variant Classification Scheme 2023. Collection method: clinical testing. Allele origin: germline.

Literature cited by the submitters: PubMed 33747040 (cited by Ambry Genetics).

NM_001367624.2(ZNF469):c.1663G>A (p.Asp555Asn)

Gene: ZNF469 (zinc finger protein 469; plus strand). Cytogenetic location: 16q24.2.
Variant type: single nucleotide variant.
Coding change: c.1663G>A on transcript NM_001367624.2 (MANE Select); coding-DNA position 1663, G replaced by A.
Protein change: p.Asp555Asn; replaces aspartic acid 555 with asparagine.
Molecular consequence: missense variant.
Genome position (GRCh38, 1-based): chr16:88,429,133, G>A. VCF-style: chr16-88429133-G-A. GRCh37 (hg19) VCF-style: chr16-88495541-G-A.
Other names: NM_001127464.1:c.1663G>A; short protein forms D555N.
Identifiers: ClinVar variation 320870 (VCV000320870.15), dbSNP rs749179728, ClinGen allele CA8224694.